The following is an entry in ClinVar:

ClinVar aggregate classification (germline): Uncertain significance (1 of 4 stars; one submission).

Conditions:
KBG syndrome (KBGS). Also called: ANKRD11-Related KBG Syndrome. Identifiers: Orphanet 2332, MedGen C0220687, MONDO:0007846, OMIM 148050.

Allele frequency attached by ClinVar (database versions not stated): gnomAD exomes below 0.00001; TOPMed below 0.00001; gnomAD 0.00001.
gnomAD v4.1: 5 of 1,614,122 alleles (0.00031%); highest among the groups gnomAD compares: African/African-American, 0.004%; no homozygotes.

Submission:

Labcorp Genetics (formerly Invitae), Labcorp
Classification: Uncertain significance for KBG syndrome. Last evaluated: 2023-08-10. Review status: criteria provided, single submitter. Criteria: Invitae Variant Classification Sherloc (09022015). Collection method: clinical testing. Allele origin: germline.
Comment: In summary, the available evidence is currently insufficient to determine the role of this variant in disease. Therefore, it has been classified as a Variant of Uncertain Significance. Advanced modeling of protein sequence and biophysical properties (such as structural, functional, and spatial information, amino acid conservation, physicochemical variation, residue mobility, and thermodynamic stability) performed at Invitae indicates that this missense variant is not expected to disrupt ANKRD11 protein function. This variant has not been reported in the literature in individuals affected with ANKRD11-related conditions. This variant is not present in population databases (gnomAD no frequency). This sequence change replaces proline, which is neutral and non-polar, with leucine, which is neutral and non-polar, at codon 1661 of the ANKRD11 protein (p.Pro1661Leu).

NM_013275.6(ANKRD11):c.4982C>T (p.Pro1661Leu)

Gene: ANKRD11 (ankyrin repeat domain 11; minus strand). Cytogenetic location: 16q24.3.
Variant type: single nucleotide variant.
Coding change: c.4982C>T on transcript NM_013275.6 (MANE Select); coding-DNA position 4982, C replaced by T.
Protein change: p.Pro1661Leu; replaces proline 1661 with leucine.
Molecular consequence: missense variant.
Genome position (GRCh38, 1-based): chr16:89,281,560, G>A on the plus strand (C>T on the coding strand, the complement: ANKRD11 is on the minus strand). VCF-style: chr16-89281560-G-A. GRCh37 (hg19) VCF-style: chr16-89347968-G-A.
Other names: c.4982C>T, p.Pro1661Leu (NM_001256182.2, NM_001256183.2); short protein forms P1661L.
Identifiers: ClinVar variation 2909232 (VCV002909232.3), dbSNP rs1447523455, ClinGen allele CA397156127.